The following is an entry in ClinVar:

ClinVar aggregate classification (germline): Uncertain significance (1 of 4 stars; one submission).

Allele frequency attached by ClinVar (database versions not stated): ExAC 0.00006; 1000 Genomes Project 30x 0.00016.
gnomAD v4.1: 20 of 1,590,034 alleles (0.0013%); highest among the groups gnomAD compares: South Asian, 0.0092%; no homozygotes.

Submission:

Labcorp Genetics (formerly Invitae), Labcorp
Classification: Uncertain significance. Last evaluated: 2023-10-13. Review status: criteria provided, single submitter. Criteria: Invitae Variant Classification Sherloc (09022015). Collection method: clinical testing. Allele origin: germline.
Comment: This sequence change replaces arginine, which is basic and polar, with histidine, which is basic and polar, at codon 184 of the CABP4 protein (p.Arg184His). The frequency data for this variant in the population databases is considered unreliable, as metrics indicate poor data quality at this position in the gnomAD database. This variant has not been reported in the literature in individuals affected with CABP4-related conditions. ClinVar contains an entry for this variant (Variation ID: 1406328). Advanced modeling of protein sequence and biophysical properties (such as structural, functional, and spatial information, amino acid conservation, physicochemical variation, residue mobility, and thermodynamic stability) performed at Invitae indicates that this missense variant is not expected to disrupt CABP4 protein function. In summary, the available evidence is currently insufficient to determine the role of this variant in disease. Therefore, it has been classified as a Variant of Uncertain Significance.

NM_145200.5(CABP4):c.551G>A (p.Arg184His)

Gene: CABP4 (calcium binding protein 4; plus strand). Cytogenetic location: 11q13.2.
Variant type: single nucleotide variant.
Coding change: c.551G>A on transcript NM_145200.5 (MANE Select); coding-DNA position 551, G replaced by A.
Protein change: p.Arg184His; replaces arginine 184 with histidine.
Molecular consequence: missense variant. On other transcripts: non-coding transcript variant (1).
Genome position (GRCh38, 1-based): chr11:67,457,582, G>A. VCF-style: chr11-67457582-G-A. GRCh37 (hg19) VCF-style: chr11-67225053-G-A.
Other names: c.236G>A, p.Arg79His (NM_001300895.3, NM_001300896.3, NM_001379183.1); short protein forms R79H, R184H.
Identifiers: ClinVar variation 1406328 (VCV001406328.6), dbSNP rs775087763, ClinGen allele CA6140277.